The following is an entry in ClinVar:

ClinVar aggregate classification (germline): Uncertain significance (1 of 4 stars; one submission).

Submission:

Ambry Genetics
Classification: Uncertain significance. Last evaluated: 2025-12-20. Review status: criteria provided, single submitter. Criteria: Ambry Variant Classification Scheme 2023. Collection method: clinical testing. Allele origin: germline.
Comment: The p.A930P variant (also known as c.2788G>C), located in coding exon 25 of the KIF1B gene, results from a G to C substitution at nucleotide position 2788. The alanine at codon 930 is replaced by proline, an amino acid with highly similar properties. This amino acid position is conserved. In addition, this alteration is predicted to be deleterious by in silico analysis. Based on the available evidence, the clinical significance of this variant remains unclear.

NM_001365951.3(KIF1B):c.2926G>C (p.Ala976Pro)

Gene: KIF1B (kinesin family member 1B; plus strand). Cytogenetic location: 1p36.22.
Variant type: single nucleotide variant.
Coding change: c.2926G>C on transcript NM_001365951.3 (MANE Select); coding-DNA position 2926, G replaced by C.
Protein change: p.Ala976Pro; replaces alanine 976 with proline.
Molecular consequence: missense variant.
Genome position (GRCh38, 1-based): chr1:10,334,521, G>C. VCF-style: chr1-10334521-G-C. GRCh37 (hg19) VCF-style: chr1-10394579-G-C.
Other names: c.2926G>C, p.Ala976Pro (NM_001365952.1); c.2788G>C, p.Ala930Pro (NM_015074.3); short protein forms A930P, A976P.
Identifiers: ClinVar variation 4841865 (VCV004841865.1).
Genomic context (GRCh38, chr1:10,334,521, plus strand): 5'-AAAGCCAGTTTATCTCTCCATGGATGTTCTGACATTTGTCTCCTGGTTTCTGTCTTTAGG[G>C]CATTTGTTTACCTGAGCAATCTGCTGTATCCCGTGCCCCTGATCCACAGGGTGGCCATCG-3'
Protein context (NP_001352880.1, residues 966-986): RSPWFILVGR[Ala976Pro]FVYLSNLLYP